The following is an entry in ClinVar:

NM_000532.5(PCCB):c.1068C>T (p.Gly356=)

Gene: PCCB (propionyl-CoA carboxylase subunit beta; plus strand). Cytogenetic location: 3q22.3.
Variant type: single nucleotide variant.
Coding change: c.1068C>T on transcript NM_000532.5 (MANE Select); coding-DNA position 1068, C replaced by T.
Protein change: p.Gly356=; no amino-acid change (glycine 356 retained).
Molecular consequence: synonymous variant.
Genome position (GRCh38, 1-based): chr3:136,317,042, C>T. VCF-style: chr3-136317042-C-T. GRCh37 (hg19) VCF-style: chr3-136035884-C-T.
Other names: c.1128C>T, p.Gly376= (NM_001178014.2).
Identifiers: ClinVar variation 1369369 (VCV001369369.3), dbSNP rs980116020, ClinGen allele CA83814179.

ClinVar aggregate classification (germline): Uncertain significance (1 of 4 stars; one submission).

Conditions:
Propionic acidemia (PROP). Also called: GLYCINEMIA, KETOTIC; HYPERGLYCINEMIA WITH KETOACIDOSIS AND LEUKOPENIA; KETOTIC HYPERGLYCINEMIA. Identifiers: Orphanet 35, MedGen C0268579, MONDO:0011628, OMIM 606054, HP:0003571.

Allele frequency attached by ClinVar (database versions not stated): gnomAD exomes below 0.00001; TOPMed below 0.00001.
gnomAD v4.1: 1 of 1,613,942 alleles (0.000062%); highest among the groups gnomAD compares: Non-Finnish European, 0.000085%; no homozygotes.

Submission:

Labcorp Genetics (formerly Invitae), Labcorp
Classification: Uncertain significance for Propionic acidemia. Last evaluated: 2021-10-14. Review status: criteria provided, single submitter. Criteria: Invitae Variant Classification Sherloc (09022015). Collection method: clinical testing. Allele origin: germline.
Comment: This sequence change affects codon 356 of the PCCB mRNA. It is a 'silent' change, meaning that it does not change the encoded amino acid sequence of the PCCB protein. This variant is not present in population databases (ExAC no frequency). This variant has not been reported in the literature in individuals affected with PCCB-related conditions. Algorithms developed to predict the effect of sequence changes on RNA splicing suggest that this variant may create or strengthen a splice site. In summary, the available evidence is currently insufficient to determine the role of this variant in disease. Therefore, it has been classified as a Variant of Uncertain Significance.